The following is an entry in ClinVar:

NM_003072.5(SMARCA4):c.1782A>G (p.Gly594=)

Gene: SMARCA4 (SWI/SNF related BAF chromatin remodeling complex subunit ATPase 4; plus strand). Cytogenetic location: 19p13.2.
Variant type: single nucleotide variant.
Coding change: c.1782A>G on transcript NM_003072.5 (MANE Select); coding-DNA position 1782, A replaced by G.
Protein change: p.Gly594=; no amino-acid change (glycine 594 retained).
Molecular consequence: synonymous variant. On other transcripts: non-coding transcript variant (1).
Genome position (GRCh38, 1-based): chr19:10,996,514, A>G. VCF-style: chr19-10996514-A-G. GRCh37 (hg19) VCF-style: chr19-11107190-A-G.
Other names: c.1782A>G, p.Gly594= (NM_001128844.3, NM_001128845.2, NM_001128846.2 and 5 more transcripts).
Identifiers: ClinVar variation 415066 (VCV000415066.22), dbSNP rs369362739, ClinGen allele CA9203893.

ClinVar aggregate classification (germline): Benign/Likely benign. Review status: criteria provided, multiple submitters, no conflicts (2 of 4 stars). 7 submissions from 7 submitters: Benign (2); Likely benign (4). 1 of the submissions does not count toward it. Last evaluated 2026-07-10.

Conditions:
SMARCA4-related disorder. Also called: SMARCA4-related condition.
Rhabdoid tumor predisposition syndrome 2 (RTPS2). Identifiers: Orphanet 231108, Orphanet 69077, MedGen C2750074, MONDO:0013224, OMIM 613325.
Hereditary cancer-predisposing syndrome. Also called: Hereditary Cancer Syndrome; Hereditary neoplastic syndrome; Neoplastic Syndromes, Hereditary; Tumor predisposition. Identifiers: Orphanet 140162, MedGen C0027672, MeSH D009386, MONDO:0015356.

Allele frequency attached by ClinVar (database versions not stated): ESP Exome Variant Server 0.00008; ExAC 0.00002; gnomAD exomes 0.00003; gnomAD 0.00004; TOPMed 0.00004.
gnomAD v4.1: 48 of 1,614,122 alleles (0.003%); highest among the groups gnomAD compares: Non-Finnish European, 0.0039%; no homozygotes.

Submissions (7):

Myriad Genetics, Inc.
Classification: Benign for Rhabdoid tumor predisposition syndrome 2. Last evaluated: 2026-07-10. Review status: criteria provided, single submitter. Criteria: Myriad Autosomal Dominant, Autosomal Recessive and X-Linked Classification Criteria (2023). Collection method: clinical testing. Allele origin: unknown.
Comment: This variant is considered benign. This variant is a silent/synonymous amino acid change and it is not expected to impact splicing.

Labcorp Genetics (formerly Invitae), Labcorp
Classification: Likely benign for Rhabdoid tumor predisposition syndrome 2. Last evaluated: 2025-11-19. Review status: criteria provided, single submitter. Criteria: Invitae Variant Classification Sherloc (09022015). Collection method: clinical testing. Allele origin: germline.

Blueprint Genetics
Classification: Likely benign. Last evaluated: 2024-04-11. Review status: criteria provided, single submitter. Criteria: ACMG Guidelines, 2015. Collection method: clinical testing. Allele origin: germline.

Quest Diagnostics Nichols Institute San Juan Capistrano
Classification: Benign. Last evaluated: 2023-08-18. Review status: criteria provided, single submitter. Criteria: Quest Diagnostics criteria. Collection method: clinical testing. Allele origin: unknown.

Sema4
Classification: Likely benign for Hereditary cancer-predisposing syndrome. Last evaluated: 2022-03-16. Review status: criteria provided, single submitter. Criteria: Sema4 Curation Guidelines. Collection method: curation. Allele origin: germline.

Ambry Genetics
Classification: Likely benign for Hereditary cancer-predisposing syndrome. Last evaluated: 2015-11-25. Review status: criteria provided, single submitter. Criteria: Ambry Variant Classification Scheme 2023. Collection method: clinical testing. Allele origin: germline.

PreventionGenetics, part of Exact Sciences
Classification: Likely benign for SMARCA4-related condition. Last evaluated: 2021-12-17. Review status: no assertion criteria provided. Collection method: clinical testing. Allele origin: germline. Not counted in ClinVar's aggregate classification.
Comment: This variant is classified as likely benign based on ACMG/AMP sequence variant interpretation guidelines (Richards et al. 2015 PMID: 25741868, with internal and published modifications).